The following is an entry in ClinVar:

NM_178857.6(RP1L1):c.416dup (p.Gly140fs)

Gene: RP1L1 (RP1 like 1). Cytogenetic location: 8p23.1.
Variant type: Duplication.
Coding change: c.416dup on transcript NM_178857.6 (MANE Select); coding-DNA position 416, one base duplicated.
Protein change: p.Gly140fs; shifts the reading frame from glycine 140.
Molecular consequence: frameshift variant.
Genome position: GRCh38 VCF-style: chr8-10622785-T-TG. GRCh37 (hg19) VCF-style: chr8-10480295-T-TG.
Other names: c.416dupC (NM_178857.6); c.416dup (NM_178857.5); short protein forms G140fs.
Identifiers: ClinVar variation 361412 (VCV000361412.20), dbSNP rs201192645, ClinGen allele CA4625712.

ClinVar aggregate classification (germline): Conflicting classifications of pathogenicity. Review status: criteria provided, conflicting classifications (1 of 4 stars). 5 submissions from 5 submitters: Uncertain significance (1); Benign (1); Likely benign (1). 2 of the submissions do not count toward it. Last evaluated 2026-07-01.

Conditions:
Retinal dystrophy. Also called: Inherited retinal dystrophy. Identifiers: Orphanet 71862, MedGen C0854723, MeSH D058499, MONDO:0019118, HP:0000556.

Submissions (5):

CeGaT Center for Human Genetics Tuebingen
Classification: Likely benign. Last evaluated: 2026-07-01. Review status: criteria provided, single submitter. Criteria: CeGaT Center For Human Genetics Tuebingen Variant Classification Criteria Version 2. Collection method: clinical testing. Allele origin: germline. Affected: yes. Observed: 1 variant allele.
Comment: RP1L1: BS1

Labcorp Genetics (formerly Invitae), Labcorp
Classification: Benign. Last evaluated: 2026-01-21. Review status: criteria provided, single submitter. Criteria: Invitae Variant Classification Sherloc (09022015). Collection method: clinical testing. Allele origin: germline.

Dept Of Ophthalmology, Nagoya University
Classification: Uncertain significance for Retinal dystrophy. Last evaluated: 2023-10-01. Review status: criteria provided, single submitter. Criteria: Submitter's publication. Collection method: research. Allele origin: germline. Affected: yes.

Clinical Genetics, Academic Medical Center
Classification: Benign. Review status: no assertion criteria provided. Collection method: clinical testing. Allele origin: germline. Affected: yes. Study: VKGL Data-share Consensus. Not counted in ClinVar's aggregate classification.

Joint Genome Diagnostic Labs from Nijmegen and Maastricht, Radboudumc and MUMC+
Classification: Benign. Review status: no assertion criteria provided. Collection method: clinical testing. Allele origin: germline. Affected: yes. Study: VKGL Data-share Consensus. Not counted in ClinVar's aggregate classification.